The following is an entry in ClinVar:

NC_000015.10:g.93004617_93004624del

Gene: CHD2 (chromodomain helicase DNA binding protein 2; plus strand). Cytogenetic location: 15q26.1.
Variant type: Deletion.
Genome position: GRCh38 VCF-style: chr15-93004610-TTAAAAGCC-T. GRCh37 (hg19) VCF-style: chr15-93547840-TTAAAAGCC-T.
Identifiers: ClinVar variation 4823255 (VCV004823255.4).
Genomic context (GRCh38, chr15:93,004,610, plus strand): 5'-AAGAAACCTAAATCGCACGGTAGGATTGCACAAATGACAATGACTCCTTGTAACTCTTTT[TTAAAAGCC>T]TAAAAGTGGTGATGCCAAATCTTCGAGTAAATCAAAGCGATCTCAGGGTCCTGTCCATAT-3'

ClinVar aggregate classification (germline): Pathogenic (1 of 4 stars; one submission).

Submission:

CeGaT Center for Human Genetics Tuebingen
Classification: Pathogenic. Last evaluated: 2026-02-01. Review status: criteria provided, single submitter. Criteria: CeGaT Center For Human Genetics Tuebingen Variant Classification Criteria Version 2. Collection method: clinical testing. Allele origin: germline. Affected: yes. Observed: 1 variant allele.
Comment: CHD2: PVS1, PM2